The following is an entry in ClinVar:

NM_007078.3(LDB3):c.344G>A (p.Gly115Asp)

Gene: LDB3 (LIM domain binding 3; plus strand). Cytogenetic location: 10q23.2.
Variant type: single nucleotide variant.
Coding change: c.344G>A on transcript NM_007078.3 (MANE Select); coding-DNA position 344, G replaced by A.
Protein change: p.Gly115Asp; replaces glycine 115 with aspartic acid.
Molecular consequence: missense variant. On other transcripts: intron variant (5).
Genome position (GRCh38, 1-based): chr10:86,681,458, G>A. VCF-style: chr10-86681458-G-A. GRCh37 (hg19) VCF-style: chr10-88441215-G-A.
Other names: c.321+1301G>A (NM_001080116.1, NM_001368068.1, NM_001368066.1 and 2 more transcripts); c.344G>A (NM_007078.2); c.344G>A, p.Gly115Asp (NM_001080115.2, NM_001171610.2, NM_001171611.2 and 3 more transcripts); short protein forms G115D.
Identifiers: ClinVar variation 757043 (VCV000757043.11), dbSNP rs767658173, ClinGen allele CA5584681.

ClinVar aggregate classification (germline): Conflicting classifications of pathogenicity. Review status: criteria provided, conflicting classifications (1 of 4 stars). 2 submissions from 2 submitters: Uncertain significance (1); Likely benign (1). Last evaluated 2025-12-29.

Conditions:
Cardiovascular phenotype. Identifiers: MedGen CN230736.
Myofibrillar myopathy 4. Also called: Zaspopathy (type). Identifiers: Orphanet 98912, MedGen C4721886, MONDO:0012277, OMIM 609452.

Allele frequency attached by ClinVar (database versions not stated): gnomAD exomes 0.00003 and 0.00006; ExAC 0.00008.
gnomAD v4.1: 40 of 1,605,022 alleles (0.0025%); highest among the groups gnomAD compares: South Asian, 0.042%; no homozygotes.

Submissions (2):

Labcorp Genetics (formerly Invitae), Labcorp
Classification: Uncertain significance for Myofibrillar myopathy 4. Last evaluated: 2025-12-29. Review status: criteria provided, single submitter. Criteria: Invitae Variant Classification Sherloc (09022015). Collection method: clinical testing. Allele origin: germline.
Comment: The LDB3 gene has multiple clinically relevant transcripts. This variant occurs in alternate transcript NM_007078.3, and corresponds to NM_001080116.1:c.321+1301G>A in the primary transcript. This sequence change replaces glycine, which is neutral and non-polar, with aspartic acid, which is acidic and polar, at codon 115 of the LDB3 protein (p.Gly115Asp). This variant is present in population databases (rs767658173, gnomAD 0.04%). This missense change has been observed in individual(s) with dilated cardiomyopathy (PMID: 31983221). ClinVar contains an entry for this variant (Variation ID: 757043). Experimental studies and prediction algorithms are not available or were not evaluated, and the functional significance of this variant is currently unknown. Algorithms developed to predict the effect of sequence changes on RNA splicing suggest that this variant is not likely to affect RNA splicing. In summary, the available evidence is currently insufficient to determine the role of this variant in disease. Therefore, it has been classified as a Variant of Uncertain Significance.

Ambry Genetics
Classification: Likely benign for Cardiovascular phenotype. Last evaluated: 2025-02-28. Review status: criteria provided, single submitter. Criteria: Ambry Variant Classification Scheme 2023. Collection method: clinical testing. Allele origin: germline.

Literature cited by the submitters: PubMed 31983221 (cited by Labcorp Genetics (formerly Invitae), Labcorp and Ambry Genetics).